The following is an entry in ClinVar:

ClinVar aggregate classification (germline): Likely pathogenic (1 of 4 stars; one submission).

Submission:

Labcorp Genetics (formerly Invitae), Labcorp
Classification: Likely pathogenic. Last evaluated: 2023-07-07. Review status: criteria provided, single submitter. Criteria: Invitae Variant Classification Sherloc (09022015). Collection method: clinical testing. Allele origin: germline.
Comment: In summary, the currently available evidence indicates that the variant is pathogenic, but additional data are needed to prove that conclusively. Therefore, this variant has been classified as Likely Pathogenic. Algorithms developed to predict the effect of sequence changes on RNA splicing suggest that this variant may disrupt the consensus splice site. This variant has not been reported in the literature in individuals affected with ERCC8-related conditions. This variant is not present in population databases (gnomAD no frequency). This sequence change affects a donor splice site in intron 2 of the ERCC8 gene. It is expected to disrupt RNA splicing. Variants that disrupt the donor or acceptor splice site typically lead to a loss of protein function (PMID: 16199547), and loss-of-function variants in ERCC8 are known to be pathogenic (PMID: 29572252).

Literature cited by the submitters: PubMed 16199547; PubMed 29572252.

NM_000082.4(ERCC8):c.173+2T>A

Gene: ERCC8 (ERCC excision repair 8, CSA ubiquitin ligase complex subunit; minus strand). Cytogenetic location: 5q12.1.
Variant type: single nucleotide variant.
Coding change: c.173+2T>A on transcript NM_000082.4 (MANE Select); the canonical splice donor site of the intron after coding-DNA position 173, T replaced by A.
Molecular consequence: splice donor variant.
Genome position (GRCh38, 1-based): chr5:60,928,862, A>T on the plus strand (T>A on the coding strand, the complement: ERCC8 is on the minus strand). VCF-style: chr5-60928862-A-T. GRCh37 (hg19) VCF-style: chr5-60224689-A-T.
Other names: c.-205+2T>A (NM_001290285.2); c.-220+2T>A (NM_001007233.3); c.173+2T>A (NM_001007234.3).
Identifiers: ClinVar variation 2737064 (VCV002737064.3), dbSNP rs2531852602, ClinGen allele CA359828669.